The following is an entry in ClinVar:

ClinVar aggregate classification (germline): Uncertain significance (1 of 4 stars; one submission).

Conditions:
Polyglandular autoimmune syndrome, type 1 (APS1). Also called: PGA I; APS I; HYPOADRENOCORTICISM WITH HYPOPARATHYROIDISM AND SUPERFICIAL MONILIASIS; Autoimmune polyendocrinopathy syndrome , type I, with or without reversible metaphyseal dysplasia; AUTOIMMUNE POLYENDOCRINE SYNDROME, TYPE I, WITH OR WITHOUT REVERSIBLE METAPHYSEAL DYSPLASIA; Whitaker syndrome. Identifiers: Orphanet 3453, MedGen C0085859, MONDO:0009411, OMIM 240300.

Submission:

Labcorp Genetics (formerly Invitae), Labcorp
Classification: Uncertain significance for Polyglandular autoimmune syndrome, type 1. Last evaluated: 2022-06-10. Review status: criteria provided, single submitter. Criteria: Invitae Variant Classification Sherloc (09022015). Collection method: clinical testing. Allele origin: germline.
Comment: This variant is not present in population databases (gnomAD no frequency). In summary, the available evidence is currently insufficient to determine the role of this variant in disease. Therefore, it has been classified as a Variant of Uncertain Significance. Algorithms developed to predict the effect of missense changes on protein structure and function (SIFT, PolyPhen-2, Align-GVGD) all suggest that this variant is likely to be tolerated. This variant has not been reported in the literature in individuals affected with AIRE-related conditions. This sequence change replaces serine, which is neutral and polar, with arginine, which is basic and polar, at codon 339 of the AIRE protein (p.Ser339Arg).

NM_000383.4(AIRE):c.1017C>G (p.Ser339Arg)

Gene: AIRE (autoimmune regulator; plus strand). Cytogenetic location: 21q22.3.
Variant type: single nucleotide variant.
Coding change: c.1017C>G on transcript NM_000383.4 (MANE Select); coding-DNA position 1017, C replaced by G.
Protein change: p.Ser339Arg; replaces serine 339 with arginine.
Molecular consequence: missense variant.
Genome position (GRCh38, 1-based): chr21:44,292,323, C>G. VCF-style: chr21-44292323-C-G. GRCh37 (hg19) VCF-style: chr21-45712206-C-G.
Other names: short protein forms S339R.
Identifiers: ClinVar variation 2002541 (VCV002002541.4), dbSNP rs2040549304, ClinGen allele CA410425087.